The following is an entry in ClinVar:

NM_001458.5(FLNC):c.5149A>T (p.Thr1717Ser)

Gene: FLNC (filamin C; plus strand). Cytogenetic location: 7q32.1.
Variant type: single nucleotide variant.
Coding change: c.5149A>T on transcript NM_001458.5 (MANE Select); coding-DNA position 5149, A replaced by T.
Protein change: p.Thr1717Ser; replaces threonine 1717 with serine.
Molecular consequence: missense variant.
Genome position (GRCh38, 1-based): chr7:128,849,528, A>T. VCF-style: chr7-128849528-A-T. GRCh37 (hg19) VCF-style: chr7-128489582-A-T.
Other names: c.5149A>T, p.Thr1717Ser (NM_001127487.2); short protein forms T1717S.
Identifiers: ClinVar variation 1926681 (VCV001926681.4), dbSNP rs1385385453, ClinGen allele CA369204286.

ClinVar aggregate classification (germline): Uncertain significance (1 of 4 stars; one submission).

Conditions:
Distal myopathy with posterior leg and anterior hand involvement. Also called: WILLIAMS DISTAL MYOPATHY. Identifiers: Orphanet 63273, MedGen C3279722, MONDO:0013550, OMIM 614065.
Hypertrophic cardiomyopathy 26. Also called: Cardiomyopathy, familial hypertrophic, 26. Identifiers: Orphanet 75249, MedGen C4310749, MONDO:0014883, OMIM 617047.
Myofibrillar myopathy 5. Also called: Filaminopathy (type); FILAMINOPATHY, AUTOSOMAL DOMINANT. Identifiers: Orphanet 171445, MedGen C1836050, MONDO:0012289, OMIM 609524.

Allele frequency attached by ClinVar (database versions not stated): gnomAD exomes below 0.00001.
gnomAD v4.1: 1 of 1,614,128 alleles (0.000062%); highest among the groups gnomAD compares: Admixed American, 0.0017%; no homozygotes.

Submission:

Labcorp Genetics (formerly Invitae), Labcorp
Classification: Uncertain significance for Distal myopathy with posterior leg and anterior hand involvement; Myofibrillar myopathy 5; Hypertrophic cardiomyopathy 26. Last evaluated: 2025-05-17. Review status: criteria provided, single submitter. Criteria: Invitae Variant Classification Sherloc (09022015). Collection method: clinical testing. Allele origin: germline.
Comment: This sequence change replaces threonine, which is neutral and polar, with serine, which is neutral and polar, at codon 1717 of the FLNC protein (p.Thr1717Ser). This variant is present in population databases (no rsID available, gnomAD 0.003%). This variant has not been reported in the literature in individuals affected with FLNC-related conditions. ClinVar contains an entry for this variant (Variation ID: 1926681). Invitae Evidence Modeling of protein sequence and biophysical properties (such as structural, functional, and spatial information, amino acid conservation, physicochemical variation, residue mobility, and thermodynamic stability) has been performed for this missense variant. However, the output from this modeling did not meet the statistical confidence thresholds required to predict the impact of this variant on FLNC protein function. In summary, the available evidence is currently insufficient to determine the role of this variant in disease. Therefore, it has been classified as a Variant of Uncertain Significance.